The following is an entry in ClinVar:

ClinVar aggregate classification (germline): Uncertain significance. Review status: criteria provided, multiple submitters, no conflicts (2 of 4 stars). 2 submissions from 2 submitters: Uncertain significance (2). Last evaluated 2025-04-11.

Conditions:
Inborn genetic diseases. Identifiers: MedGen C0950123, MeSH D030342.

Allele frequency attached by ClinVar (database versions not stated): ExAC 0.00004; gnomAD 0.00013; TOPMed 0.00011; ESP Exome Variant Server 0.00015.
gnomAD v4.1: 43 of 1,614,232 alleles (0.0027%); highest among the groups gnomAD compares: African/African-American, 0.032%; no homozygotes.

Submissions (2):

Ambry Genetics
Classification: Uncertain significance for Inborn genetic diseases. Last evaluated: 2025-04-11. Review status: criteria provided, single submitter. Criteria: Ambry Variant Classification Scheme 2023. Collection method: clinical testing. Allele origin: germline.

Labcorp Genetics (formerly Invitae), Labcorp
Classification: Uncertain significance. Last evaluated: 2022-08-10. Review status: criteria provided, single submitter. Criteria: Invitae Variant Classification Sherloc (09022015). Collection method: clinical testing. Allele origin: germline.
Comment: This sequence change replaces aspartic acid, which is acidic and polar, with asparagine, which is neutral and polar, at codon 874 of the LAMB1 protein (p.Asp874Asn). This variant is present in population databases (rs151128093, gnomAD 0.03%). This variant has not been reported in the literature in individuals affected with LAMB1-related conditions. Algorithms developed to predict the effect of missense changes on protein structure and function are either unavailable or do not agree on the potential impact of this missense change (SIFT: "Tolerated"; PolyPhen-2: "Possibly Damaging"; Align-GVGD: "Class C0"). In summary, the available evidence is currently insufficient to determine the role of this variant in disease. Therefore, it has been classified as a Variant of Uncertain Significance.

NM_002291.3(LAMB1):c.2620G>A (p.Asp874Asn)

Gene: LAMB1 (laminin subunit beta 1; minus strand). Cytogenetic location: 7q31.1.
Variant type: single nucleotide variant.
Coding change: c.2620G>A on transcript NM_002291.3 (MANE Select); coding-DNA position 2620, G replaced by A.
Protein change: p.Asp874Asn; replaces aspartic acid 874 with asparagine.
Molecular consequence: missense variant.
Genome position (GRCh38, 1-based): chr7:107,959,319, C>T on the plus strand (G>A on the coding strand, the complement: LAMB1 is on the minus strand). VCF-style: chr7-107959319-C-T. GRCh37 (hg19) VCF-style: chr7-107599764-C-T.
Other names: c.2620G>A (NM_002291.2); short protein forms D874N.
Identifiers: ClinVar variation 1959857 (VCV001959857.3), dbSNP rs151128093, ClinGen allele CA4435578.
Genomic context (GRCh38, chr7:107,959,319, plus strand): 5'-TATGACCCATGGTGTAGTCCTGGCAGTTCAAGCACTCCCCAGTCACTGGGTCGCAGTCAT[C>T]GGCGTGGCCATTGCACTGGCAGGGCTGGCAACTTGGAAAGCCCCAGTGCCCAGGTAAGCA-3'
Protein context (NP_002282.2, residues 864-884): CQPCQCNGHA[Asp874Asn]DCDPVTGECL